The following is an entry in ClinVar:

ClinVar aggregate classification (germline): Uncertain significance (1 of 4 stars; one submission).

Conditions:
Hypothyroidism, congenital, nongoitrous, 8. Identifiers: MedGen C5231395, MONDO:0026731, OMIM 301033.

Submission:

SIB Swiss Institute of Bioinformatics
Classification: Uncertain significance for Hypothyroidism, congenital, nongoitrous, 8. Last evaluated: 2020-02-14. Review status: criteria provided, single submitter. Criteria: ACMG Guidelines, 2015. Collection method: curation. Allele origin: unknown.
Comment: This variant is interpreted as a variant of uncertain significance for Hypothyroidism, congenital, non-goitrous, 8, X-linked. The following ACMG Tag(s) were applied: PM2, PP3.

Literature cited by the submitters: PubMed 27603907.

NM_005647.4(TBL1X):c.1258T>C (p.Trp420Arg)

Gene: TBL1X (transducin beta like 1 X-linked; plus strand). Cytogenetic location: Xp22.2.
Variant type: single nucleotide variant.
Coding change: c.1258T>C on transcript NM_005647.4 (MANE Select); coding-DNA position 1258, T replaced by C.
Protein change: p.Trp420Arg; replaces tryptophan 420 with arginine.
Molecular consequence: missense variant.
Genome position (GRCh38, 1-based): chrX:9,709,269, T>C. VCF-style: chrX-9709269-T-C. GRCh37 (hg19) VCF-style: chrX-9677309-T-C.
Other names: c.1258T>C, p.Trp420Arg (NM_001139466.1); c.1105T>C, p.Trp369Arg (NM_001139467.1, NM_001139468.1); short protein forms W420R, W369R.
Identifiers: ClinVar variation 870341 (VCV000870341.1), dbSNP rs2083229757, ClinGen allele CA411985803.
Genomic context (GRCh38, chrX:9,709,269, plus strand): 5'-GCCCTGATGTCTTTTTCACACTCTTCTGCTCTCTTTCAGAACGAGGTCAACGCCATCAAA[T>C]GGGATCCGTCTGGAATGTTGCTGGCATCCTGCTCGGATGACATGACATTGAAGGTAGAGT-3'
Protein context (NP_005638.1, residues 410-430): GHTNEVNAIK[Trp420Arg]DPSGMLLASC